The following is an entry in ClinVar:

NM_032608.7(MYO18B):c.7015del (p.Leu2339fs)

Gene: MYO18B (myosin XVIIIB; plus strand). Cytogenetic location: 22q12.1.
Variant type: Deletion.
Coding change: c.7015del on transcript NM_032608.7 (MANE Select); coding-DNA position 7015, one base deleted (C; older notation c.7015delC).
Protein change: p.Leu2339fs; shifts the reading frame from leucine 2339.
Molecular consequence: frameshift variant.
Genome position (GRCh38, 1-based): chr22:26,026,989, C deleted; the last of 3 consecutive C bases (chr22:26,026,987-26,026,989); deleting any one gives the same sequence. VCF-style (leftmost placement, unchanged base first): chr22-26026986-AC-A. GRCh37 (hg19) VCF-style: chr22-26422952-AC-A.
Other names: c.7018del, p.Leu2340fs (NM_001318245.2); c.7015delC (NM_032608.7); short protein forms L2339fs, L2340fs.
Identifiers: ClinVar variation 3233821 (VCV003233821.2), dbSNP rs2518433178, ClinGen allele CA2825002869.

ClinVar aggregate classification (germline): Pathogenic (1 of 4 stars; one submission).

Conditions:
Klippel-Feil anomaly-myopathy-facial dysmorphism syndrome. Also called: Klippel-feil syndrome 4, autosomal recessive, with nemaline myopathy and facial dysmorphism; Klippel-Feil syndrome 4, autosomal recessive, with myopathy and facial dysmorphism. Identifiers: Orphanet 447974, MedGen C4225285, MONDO:0014689, OMIM 616549.

Submission:

Women's Health and Genetics/Laboratory Corporation of America, LabCorp
Classification: Pathogenic for Klippel-Feil anomaly-myopathy-facial dysmorphism syndrome. Last evaluated: 2024-03-21. Review status: criteria provided, single submitter. Criteria: LabCorp Variant Classification Summary - May 2015. Collection method: clinical testing. Allele origin: germline.
Comment: Variant summary: MYO18B c.7015delC (p.Leu2339TyrfsX17) results in a premature termination codon, predicted to cause absence of the protein due to nonsense mediated decay, which is a commonly known mechanism for disease. The variant was absent in 248990 control chromosomes (gnomAD). To our knowledge, no occurrence of c.7015delC in individuals affected with Klippel-Feil Anomaly-Myopathy Dysmorphism Syndrome and no experimental evidence demonstrating its impact on protein function have been reported. No submitters have cited clinical-significance assessments for this variant to ClinVar. Based on the evidence outlined above, the variant was classified as pathogenic.